The following is an entry in ClinVar:

NM_152641.4(ARID2):c.16G>C (p.Gly6Arg)

Gene: ARID2 (AT-rich interaction domain 2; plus strand). Cytogenetic location: 12q12.
Variant type: single nucleotide variant.
Coding change: c.16G>C on transcript NM_152641.4 (MANE Select); coding-DNA position 16, G replaced by C.
Protein change: p.Gly6Arg; replaces glycine 6 with arginine.
Molecular consequence: missense variant.
Genome position (GRCh38, 1-based): chr12:45,729,852, G>C. VCF-style: chr12-45729852-G-C. GRCh37 (hg19) VCF-style: chr12-46123635-G-C.
Other names: c.16G>C, p.Gly6Arg (NM_001347839.2); short protein forms G6R.
Identifiers: ClinVar variation 3234793 (VCV003234793.20), dbSNP rs2137958679, ClinGen allele CA384608920.

ClinVar aggregate classification (germline): Uncertain significance (1 of 4 stars; one submission).

gnomAD v4.1: 1 of 1,611,150 alleles (0.000062%); highest among the groups gnomAD compares: Non-Finnish European, 0.000085%; no homozygotes.

Submission:

CeGaT Center for Human Genetics Tuebingen
Classification: Uncertain significance. Last evaluated: 2024-04-01. Review status: criteria provided, single submitter. Criteria: CeGaT Center For Human Genetics Tuebingen Variant Classification Criteria Version 2. Collection method: clinical testing. Allele origin: germline. Affected: yes. Observed: 1 variant allele.
Comment: ARID2: PM2, PP2